The following is an entry in ClinVar:

NM_014704.4(CEP104):c.1760A>G (p.Gln587Arg)

Genes: CEP104 (centrosomal protein 104; minus strand), LOC126805587 (BRD4-independent group 4 enhancer GRCh37_chr1:3747165-3748364; plus strand). Cytogenetic location: 1p36.32.
Variant type: single nucleotide variant.
Coding change: c.1760A>G on transcript NM_014704.4 (MANE Select); coding-DNA position 1760, A replaced by G.
Protein change: p.Gln587Arg; replaces glutamine 587 with arginine.
Molecular consequence: missense variant.
Genome position (GRCh38, 1-based): chr1:3,831,122, T>C on the plus strand (A>G on the coding strand, the complement: CEP104 is on the minus strand). VCF-style: chr1-3831122-T-C. GRCh37 (hg19) VCF-style: chr1-3747686-T-C.
Other names: short protein forms Q587R.
Identifiers: ClinVar variation 1312170 (VCV001312170.3), dbSNP rs1054317013, ClinGen allele CA17075673.

ClinVar aggregate classification (germline): Uncertain significance. Review status: criteria provided, multiple submitters, no conflicts (2 of 4 stars). 2 submissions from 2 submitters: Uncertain significance (2). Last evaluated 2025-08-06.

Conditions:
Inborn genetic diseases. Identifiers: MedGen C0950123, MeSH D030342.

Allele frequency attached by ClinVar (database versions not stated): gnomAD exomes below 0.00001; TOPMed 0.00002; gnomAD 0.00003.
gnomAD v4.1: 9 of 1,614,148 alleles (0.00056%); highest among the groups gnomAD compares: African/African-American, 0.011%; no homozygotes.

Submissions (2):

Ambry Genetics
Classification: Uncertain significance for Inborn genetic diseases. Last evaluated: 2025-08-06. Review status: criteria provided, single submitter. Criteria: Ambry Variant Classification Scheme 2023. Collection method: clinical testing. Allele origin: germline.

GeneDx
Classification: Uncertain significance. Last evaluated: 2019-09-12. Review status: criteria provided, single submitter. Criteria: GeneDx Variant Classification Process June 2021. Collection method: clinical testing. Allele origin: germline. Affected: yes.
Comment: Not observed at a significant frequency in large population cohorts (Lek et al., 2016); In silico analysis, which includes protein predictors and evolutionary conservation, supports that this variant does not alter protein structure/function; Has not been previously published as pathogenic or benign to our knowledge